The following is an entry in ClinVar:

NM_004795.4(KL):c.319G>T (p.Ala107Ser)

Gene: KL (klotho; plus strand). Cytogenetic location: 13q13.1.
Variant type: single nucleotide variant.
Coding change: c.319G>T on transcript NM_004795.4 (MANE Select); coding-DNA position 319, G replaced by T.
Protein change: p.Ala107Ser; replaces alanine 107 with serine.
Molecular consequence: missense variant.
Genome position (GRCh38, 1-based): chr13:33,016,759, G>T. VCF-style: chr13-33016759-G-T. GRCh37 (hg19) VCF-style: chr13-33590897-G-T.
Other names: short protein forms A107S.
Identifiers: ClinVar variation 2030766 (VCV002030766.4), dbSNP rs865891922, ClinGen allele CA247507356.

ClinVar aggregate classification (germline): Uncertain significance (1 of 4 stars; one submission).

Allele frequency attached by ClinVar (database versions not stated): TOPMed below 0.00001; gnomAD 0.00001.
gnomAD v4.1: 4 of 1,611,566 alleles (0.00025%); highest among the groups gnomAD compares: African/African-American, 0.0013%; no homozygotes.

Submission:

Labcorp Genetics (formerly Invitae), Labcorp
Classification: Uncertain significance. Last evaluated: 2022-07-01. Review status: criteria provided, single submitter. Criteria: Invitae Variant Classification Sherloc (09022015). Collection method: clinical testing. Allele origin: germline.
Comment: The frequency data for this variant in the population databases is considered unreliable, as metrics indicate poor data quality at this position in the gnomAD database. This sequence change replaces alanine, which is neutral and non-polar, with serine, which is neutral and polar, at codon 107 of the KL protein (p.Ala107Ser). In summary, the available evidence is currently insufficient to determine the role of this variant in disease. Therefore, it has been classified as a Variant of Uncertain Significance. Algorithms developed to predict the effect of missense changes on protein structure and function (SIFT, PolyPhen-2, Align-GVGD) all suggest that this variant is likely to be tolerated. This variant has not been reported in the literature in individuals affected with KL-related conditions.